The following is an entry in ClinVar:

ClinVar aggregate classification (germline): Uncertain significance. Review status: criteria provided, multiple submitters, no conflicts (2 of 4 stars). 2 submissions from 2 submitters: Uncertain significance (2). Last evaluated 2025-05-15.

Conditions:
DiGeorge syndrome. Also called: Catch22; THIRD AND FOURTH PHARYNGEAL POUCH SYNDROME. Identifiers: Orphanet 567, MedGen C0012236, MONDO:0008564, OMIM 188400.
Cardiovascular phenotype. Identifiers: MedGen CN230736.

gnomAD v4.1: 3 of 1,612,930 alleles (0.00019%); highest among the groups gnomAD compares: South Asian, 0.0011%; no homozygotes.

Submissions (2):

Ambry Genetics
Classification: Uncertain significance for Cardiovascular phenotype. Last evaluated: 2025-05-15. Review status: criteria provided, single submitter. Criteria: Ambry Variant Classification Scheme 2023. Collection method: clinical testing. Allele origin: germline.
Comment: The p.T189M variant (also known as c.566C>T), located in coding exon 4 of the TBX1 gene, results from a C to T substitution at nucleotide position 566. The threonine at codon 189 is replaced by methionine, an amino acid with similar properties. This amino acid position is conserved. In addition, the in silico prediction for this alteration is inconclusive. Based on the available evidence, the clinical significance of this variant remains unclear.

Labcorp Genetics (formerly Invitae), Labcorp
Classification: Uncertain significance for DiGeorge syndrome. Last evaluated: 2024-04-25. Review status: criteria provided, single submitter. Criteria: Invitae Variant Classification Sherloc (09022015). Collection method: clinical testing. Allele origin: germline.
Comment: This sequence change replaces threonine, which is neutral and polar, with methionine, which is neutral and non-polar, at codon 189 of the TBX1 protein (p.Thr189Met). This variant is not present in population databases (gnomAD no frequency). This variant has not been reported in the literature in individuals affected with TBX1-related conditions. Advanced modeling of protein sequence and biophysical properties (such as structural, functional, and spatial information, amino acid conservation, physicochemical variation, residue mobility, and thermodynamic stability) performed at Invitae indicates that this missense variant is not expected to disrupt TBX1 protein function with a negative predictive value of 80%. In summary, the available evidence is currently insufficient to determine the role of this variant in disease. Therefore, it has been classified as a Variant of Uncertain Significance.

NM_001379200.1(TBX1):c.593C>T (p.Thr198Met)

Gene: TBX1 (T-box transcription factor 1; plus strand). Cytogenetic location: 22q11.21.
Variant type: single nucleotide variant.
Coding change: c.593C>T on transcript NM_001379200.1 (MANE Select); coding-DNA position 593, C replaced by T.
Protein change: p.Thr198Met; replaces threonine 198 with methionine.
Molecular consequence: missense variant.
Genome position (GRCh38, 1-based): chr22:19,764,208, C>T. VCF-style: chr22-19764208-C-T. GRCh37 (hg19) VCF-style: chr22-19751731-C-T.
Other names: c.566C>T, p.Thr189Met (NM_005992.1, NM_080646.2, NM_080647.1); short protein forms T198M, T189M.
Identifiers: ClinVar variation 3710457 (VCV003710457.3).